The following is an entry in ClinVar:

NM_002055.5(GFAP):c.35G>A (p.Arg12His)

Gene: GFAP (glial fibrillary acidic protein; minus strand). Cytogenetic location: 17q21.31.
Variant type: single nucleotide variant.
Coding change: c.35G>A on transcript NM_002055.5 (MANE Select); coding-DNA position 35, G replaced by A.
Protein change: p.Arg12His; replaces arginine 12 with histidine.
Molecular consequence: missense variant.
Genome position (GRCh38, 1-based): chr17:44,915,452, C>T on the plus strand (G>A on the coding strand, the complement: GFAP is on the minus strand). VCF-style: chr17-44915452-C-T. GRCh37 (hg19) VCF-style: chr17-42992820-C-T.
Other names: NM_002055.5(GFAP):c.35G>A; p.Arg12His; c.35G>A (NM_002055.4); c.35G>A, p.Arg12His (NM_001131019.3, NM_001242376.3, NM_001363846.2); short protein forms R12H.
Identifiers: ClinVar variation 4751393 (VCV004751393.3).

ClinVar aggregate classification (germline): Benign. Review status: reviewed by expert panel (3 of 4 stars). 3 submissions from 3 submitters: Benign (1). 2 of the submissions do not count toward it. Last evaluated 2026-10-23.

Conditions:
Alexander disease (ALXDRD). Also called: Alexander's disease. Identifiers: Orphanet 58, MedGen C0270726, MONDO:0008752, OMIM 203450.
GFAP-related disorder. Also called: GFAP-related condition; GFAP-related disorders.

Submissions (3):

ClinGen Leukodystrophy and Leukoencephalopathy Variant Curation Expert Panel, ClinGen
Classification: Benign for Alexander disease. Last evaluated: 2026-10-23. Review status: reviewed by expert panel. Criteria: ClinGen Leuko ACMG Specifications GFAP V1.0. Collection method: curation. Allele origin: germline. Inheritance: Autosomal dominant inheritance.
Comment: The c.35G>A variant in GFAP is a missense variant predicted to cause substitution of arginine by histidine at amino acid 12 (p.Arg12His). The Exomes GrpMax filtering allele frequency in gnomAD v4.1.1 is 0.0002911 from the European (non-Finnish) genetic ancestry group (the lower threshold of the 95% CI of 363/1450002 alleles), which is higher than the ClinGen Leukodystrophy and Leukoencephalopathy VCEP threshold (0.0001) for BA1, and therefore meets this criterion (BA1). In summary, this variant meets the criteria to be classified as benign for Alexander disease based on the ACMG/AMP criteria applied, as specified by the ClinGen Leukodystrophy and Leukoencephalopathy Expert Panel Specifications to the ACMG/AMP Variant Interpretation Guidelines for GFAP Version 1.0.0): (BA1).

Labcorp Genetics (formerly Invitae), Labcorp
Classification: Uncertain significance. Last evaluated: 2025-06-15. Review status: criteria provided, single submitter. Criteria: Invitae Variant Classification Sherloc (09022015). Collection method: clinical testing. Allele origin: germline. Not counted in ClinVar's aggregate classification.
Comment: This sequence change replaces arginine, which is basic and polar, with histidine, which is basic and polar, at codon 12 of the GFAP protein (p.Arg12His). This variant is present in population databases (rs373706480, gnomAD 0.01%). This variant has not been reported in the literature in individuals affected with GFAP-related conditions. Invitae Evidence Modeling of protein sequence and biophysical properties (such as structural, functional, and spatial information, amino acid conservation, physicochemical variation, residue mobility, and thermodynamic stability) has been performed for this missense variant. However, the output from this modeling did not meet the statistical confidence thresholds required to predict the impact of this variant on GFAP protein function. In summary, the available evidence is currently insufficient to determine the role of this variant in disease. Therefore, it has been classified as a Variant of Uncertain Significance.

PreventionGenetics, part of Exact Sciences
Classification: Likely benign for GFAP-related condition. Last evaluated: 2024-12-04. Review status: criteria provided, single submitter. Criteria: ACMG Guidelines, 2015. Collection method: clinical testing. Allele origin: germline. Not counted in ClinVar's aggregate classification.
Comment: This variant is classified as likely benign based on ACMG/AMP sequence variant interpretation guidelines (Richards et al. 2015 PMID: 25741868, with internal and published modifications).